The following is an entry in ClinVar:

NC_000023.10:g.(?_32563256)_(32563471_?)dup

Gene: DMD (dystrophin; minus strand). Cytogenetic location: Xp21.1.
Variant type: Duplication.
Identifiers: ClinVar variation 1070487 (VCV001070487.7).

ClinVar aggregate classification (germline): Pathogenic (1 of 4 stars; one submission).

Conditions:
Duchenne muscular dystrophy (DMD). Also called: MUSCULAR DYSTROPHY, PSEUDOHYPERTROPHIC PROGRESSIVE, DUCHENNE TYPE; Duchenne Muscular Dystrophy (DMD). Identifiers: Orphanet 98896, MedGen C0013264, MONDO:0010679, OMIM 310200.

Submission:

Labcorp Genetics (formerly Invitae), Labcorp
Classification: Pathogenic for Duchenne muscular dystrophy. Last evaluated: 2023-11-17. Review status: criteria provided, single submitter. Criteria: Invitae Variant Classification Sherloc (09022015). Collection method: clinical testing. Allele origin: germline.
Comment: This variant results in a copy number gain of the genomic region encompassing exon(s) 17 of the DMD gene. While the exact position of this variant cannot be determined from the data, sub-genic copy number gains are generally in tandem (PMID: 25640679). This variant is predicted to be out-of-frame, and may result in an absent or disrupted protein product. Loss-of-function variants in DMD are known to be pathogenic (PMID: 16770791, 25007885). A similar copy number variant has been observed in individuals with DMD-related muscular dystrophy (PMID: 16917894, 18683213). For these reasons, this variant has been classified as Pathogenic.

Literature cited by the submitters: PubMed 25640679; PubMed 16770791; PubMed 25007885; PubMed 16917894; PubMed 18683213.